The following is an entry in ClinVar:

ClinVar aggregate classification (germline): Pathogenic (1 of 4 stars; one submission).

Conditions:
Primary ciliary dyskinesia. Also called: Ciliary dyskinesia. Identifiers: Orphanet 244, MedGen C0008780, MONDO:0016575, HP:0012265.

Allele frequency attached by ClinVar (database versions not stated): gnomAD exomes below 0.00001.
gnomAD v4.1: 4 of 1,610,202 alleles (0.00025%); highest among the groups gnomAD compares: Non-Finnish European, 0.00034%; no homozygotes.

Submission:

Labcorp Genetics (formerly Invitae), Labcorp
Classification: Pathogenic for Primary ciliary dyskinesia. Last evaluated: 2021-03-09. Review status: criteria provided, single submitter. Criteria: Invitae Variant Classification Sherloc (09022015). Collection method: clinical testing. Allele origin: germline.
Comment: This sequence change creates a premature translational stop signal (p.Glu4242*) in the DNAH11 gene. It is expected to result in an absent or disrupted protein product. Loss-of-function variants in DNAH11 are known to be pathogenic (PMID: 18022865, 20513915, 22184204). This variant is not present in population databases (ExAC no frequency). This variant has not been reported in the literature in individuals with DNAH11-related conditions. For these reasons, this variant has been classified as Pathogenic.

Literature cited by the submitters: PubMed 18022865; PubMed 20513915; PubMed 22184204.

NM_001277115.2(DNAH11):c.12724G>T (p.Glu4242Ter)

Gene: DNAH11 (dynein axonemal heavy chain 11; plus strand). Cytogenetic location: 7p15.3.
Variant type: single nucleotide variant.
Coding change: c.12724G>T on transcript NM_001277115.2 (MANE Select); coding-DNA position 12724, G replaced by T.
Protein change: p.Glu4242Ter; replaces glutamic acid 4242 with a stop codon.
Molecular consequence: nonsense.
Genome position (GRCh38, 1-based): chr7:21,892,641, G>T. VCF-style: chr7-21892641-G-T. GRCh37 (hg19) VCF-style: chr7-21932259-G-T.
Other names: short protein forms E4242*.
Identifiers: ClinVar variation 1456213 (VCV001456213.6), dbSNP rs1408664815, ClinGen allele CA366953511.